The following is an entry in ClinVar:

ClinVar aggregate classification (germline): Uncertain significance (1 of 4 stars; one submission).

Conditions:
Hereditary cancer-predisposing syndrome. Also called: Tumor predisposition; Hereditary neoplastic syndrome; Neoplastic Syndromes, Hereditary; Hereditary Cancer Syndrome. Identifiers: Orphanet 140162, MedGen C0027672, MeSH D009386, MONDO:0015356.

Submission:

Ambry Genetics
Classification: Uncertain significance for Hereditary cancer-predisposing syndrome. Last evaluated: 2025-04-18. Review status: criteria provided, single submitter. Criteria: Ambry Variant Classification Scheme 2023. Collection method: clinical testing. Allele origin: germline.
Comment: The p.K181N variant (also known as c.543G>T), located in coding exon 6 of the BMPR1A gene, results from a G to T substitution at nucleotide position 543. The lysine at codon 181 is replaced by asparagine, an amino acid with similar properties. This amino acid position is conserved. In addition, this alteration is predicted to be tolerated by in silico analysis. Based on the available evidence, the clinical significance of this variant remains unclear.

NM_004329.3(BMPR1A):c.543G>T (p.Lys181Asn)

Gene: BMPR1A (bone morphogenetic protein receptor type 1A; plus strand). Cytogenetic location: 10q23.2.
Variant type: single nucleotide variant.
Coding change: c.543G>T on transcript NM_004329.3 (MANE Select); coding-DNA position 543, G replaced by T.
Protein change: p.Lys181Asn; replaces lysine 181 with asparagine.
Molecular consequence: missense variant. On other transcripts: non-coding transcript variant (3), intron variant (1).
Genome position (GRCh38, 1-based): chr10:86,912,252, G>T. VCF-style: chr10-86912252-G-T. GRCh37 (hg19) VCF-style: chr10-88672009-G-T.
Other names: c.543G>T, p.Lys181Asn (NM_001406580.1, NM_001406581.1, NM_001406582.1 and 20 more transcripts); c.459G>T, p.Lys153Asn (NM_001406584.1, NM_001406585.1, NM_001406586.1 and 2 more transcripts); c.618G>T, p.Lys206Asn (NM_001406559.1); c.591G>T, p.Lys197Asn (NM_001406560.1); c.334-4882G>T (NM_001406589.1); short protein forms K153N, K197N, K181N, K206N.
Identifiers: ClinVar variation 3992026 (VCV003992026.1).
Genomic context (GRCh38, chr10:86,912,252, plus strand): 5'-TTATAGTTTTTCATTTTTAATGTAGATTGTTTTCTGCTTTTTTAAAAGACATTATTGCAA[G>T]AGCATCTCAAGCAGACGTCGTTACAATCGTGATTTGGAACAGGATGAAGCATTTATTCCA-3'
Protein context (NP_004320.2, residues 171-191): SSCFCYKHYC[Lys181Asn]SISSRRRYNR